The following is an entry in ClinVar:

NM_020297.4(ABCC9):c.4037G>T (p.Gly1346Val)

Genes: ABCC9 (ATP binding cassette subfamily C member 9; minus strand), KCNJ8-AS1 (KCNJ8 antisense RNA 1; plus strand). Cytogenetic location: 12p12.1.
Variant type: single nucleotide variant.
Coding change: c.4037G>T on transcript NM_020297.4 (MANE Select); coding-DNA position 4037, G replaced by T.
Protein change: p.Gly1346Val; replaces glycine 1346 with valine.
Molecular consequence: missense variant.
Genome position (GRCh38, 1-based): chr12:21,814,709, C>A on the plus strand (G>T on the coding strand, the complement: ABCC9 is on the minus strand). VCF-style: chr12-21814709-C-A. GRCh37 (hg19) VCF-style: chr12-21967643-C-A.
Other names: c.4037G>T, p.Gly1346Val (NM_001377273.1, NM_005691.4); c.3170G>T, p.Gly1057Val (NM_001377274.1); short protein forms G1057V, G1346V.
Identifiers: ClinVar variation 1996098 (VCV001996098.4), dbSNP rs2540853879, ClinGen allele CA384135387.

ClinVar aggregate classification (germline): Uncertain significance (1 of 4 stars; one submission).

Conditions:
Dilated cardiomyopathy 1O (CMD1O). Also called: CARDIOMYOPATHY, DILATED, WITH VENTRICULAR TACHYCARDIA. Identifiers: Orphanet 154, MedGen C1837839, MONDO:0012062, OMIM 608569.

Submission:

Labcorp Genetics (formerly Invitae), Labcorp
Classification: Uncertain significance for Dilated cardiomyopathy 1O. Last evaluated: 2022-05-18. Review status: criteria provided, single submitter. Criteria: Invitae Variant Classification Sherloc (09022015). Collection method: clinical testing. Allele origin: germline.
Comment: In summary, the available evidence is currently insufficient to determine the role of this variant in disease. Therefore, it has been classified as a Variant of Uncertain Significance. Algorithms developed to predict the effect of missense changes on protein structure and function are either unavailable or do not agree on the potential impact of this missense change (SIFT: "Deleterious"; PolyPhen-2: "Probably Damaging"; Align-GVGD: "Class C0"). This variant has not been reported in the literature in individuals affected with ABCC9-related conditions. This sequence change replaces glycine, which is neutral and non-polar, with valine, which is neutral and non-polar, at codon 1346 of the ABCC9 protein (p.Gly1346Val). This variant is not present in population databases (gnomAD no frequency).